The following is an entry in ClinVar:

NM_000051.4(ATM):c.2669T>C (p.Leu890Pro)

Gene: ATM (ATM serine/threonine kinase; plus strand). Cytogenetic location: 11q22.3.
Variant type: single nucleotide variant.
Coding change: c.2669T>C on transcript NM_000051.4 (MANE Select); coding-DNA position 2669, T replaced by C.
Protein change: p.Leu890Pro; replaces leucine 890 with proline.
Molecular consequence: missense variant.
Genome position (GRCh38, 1-based): chr11:108,268,440, T>C. VCF-style: chr11-108268440-T-C. GRCh37 (hg19) VCF-style: chr11-108139167-T-C.
Other names: c.2669T>C, p.Leu890Pro (NM_001351834.2); short protein forms L890P.
Identifiers: ClinVar variation 837459 (VCV000837459.11), dbSNP rs1411479824, ClinGen allele CA382545098.

ClinVar aggregate classification (germline): Uncertain significance. Review status: criteria provided, multiple submitters, no conflicts (2 of 4 stars). 3 submissions from 3 submitters: Uncertain significance (3). Last evaluated 2024-09-02.

Conditions:
Ataxia-telangiectasia syndrome (AT). Also called: Ataxia-telangiectasia, complementation group E; Ataxia telangiectasia (A-T); LOUIS-BAR SYNDROME; Ataxia-telangiectasia, complementation group D; AT, COMPLEMENTATION GROUP C; Ataxia-telangiectasia. Identifiers: Orphanet 100, MedGen C0004135, MONDO:0008840, OMIM 208900.
ATM-related disorder. Also called: ATM-related disorders; ATM-related condition.
Hereditary cancer-predisposing syndrome. Also called: Neoplastic Syndromes, Hereditary; Hereditary neoplastic syndrome; Tumor predisposition; Hereditary Cancer Syndrome. Identifiers: Orphanet 140162, MedGen C0027672, MeSH D009386, MONDO:0015356.

Allele frequency attached by ClinVar (database versions not stated): TOPMed below 0.00001.

Submissions (3):

Ambry Genetics
Classification: Uncertain significance for Hereditary cancer-predisposing syndrome. Last evaluated: 2024-09-02. Review status: criteria provided, single submitter. Criteria: Ambry Variant Classification Scheme 2023. Collection method: clinical testing. Allele origin: germline.
Comment: The p.L890P variant (also known as c.2669T>C), located in coding exon 17 of the ATM gene, results from a T to C substitution at nucleotide position 2669. The leucine at codon 890 is replaced by proline, an amino acid with similar properties. This amino acid position is conserved. In addition, this alteration is predicted to be deleterious by in silico analysis. Based on the available evidence, the clinical significance of this variant remains unclear.

PreventionGenetics, part of Exact Sciences
Classification: Uncertain significance for ATM-related condition. Last evaluated: 2022-08-31. Review status: criteria provided, single submitter. Criteria: ACMG Guidelines, 2015. Collection method: clinical testing. Allele origin: germline.
Comment: The ATM c.2669T>C variant is predicted to result in the amino acid substitution p.Leu890Pro. To our knowledge, this variant has not been reported in the literature or in a large population database, indicating this variant is rare. It has been interpreted as an uncertain variant by a single submitter to ClinVar. At this time, the clinical significance of this variant is uncertain due to the absence of conclusive functional and genetic evidence.

Labcorp Genetics (formerly Invitae), Labcorp
Classification: Uncertain significance for Ataxia-telangiectasia syndrome. Last evaluated: 2019-11-27. Review status: criteria provided, single submitter. Criteria: Invitae Variant Classification Sherloc (09022015). Collection method: clinical testing. Allele origin: germline.
Comment: In summary, the available evidence is currently insufficient to determine the role of this variant in disease. Therefore, it has been classified as a Variant of Uncertain Significance. Algorithms developed to predict the effect of missense changes on protein structure and function (SIFT, PolyPhen-2, Align-GVGD) all suggest that this variant is likely to be disruptive, but these predictions have not been confirmed by published functional studies and their clinical significance is uncertain. This variant has not been reported in the literature in individuals with ATM-related conditions. This variant is not present in population databases (ExAC no frequency). This sequence change replaces leucine with proline at codon 890 of the ATM protein (p.Leu890Pro). The leucine residue is highly conserved and there is a moderate physicochemical difference between leucine and proline.